The following is an entry in ClinVar:

ClinVar aggregate classification (germline): Uncertain significance. Review status: criteria provided, multiple submitters, no conflicts (2 of 4 stars). 2 submissions from 2 submitters: Uncertain significance (2). Last evaluated 2026-04-13.

Conditions:
ELN-related disorder.
Supravalvar aortic stenosis (SVAS). Also called: Supravalvar aortic stenosis, Eisenberg type. Identifiers: Orphanet 3193, MedGen C0003499, MONDO:0008504, OMIM 185500, HP:0004381.

Allele frequency attached by ClinVar (database versions not stated): gnomAD 0.00001; ESP Exome Variant Server 0.00015.
gnomAD v4.1: 41 of 1,613,524 alleles (0.0025%); highest among the groups gnomAD compares: Non-Finnish European, 0.003%; no homozygotes.

Submissions (2):

PreventionGenetics, part of Exact Sciences
Classification: Uncertain significance for ELN-related condition. Last evaluated: 2026-04-13. Review status: criteria provided, single submitter. Criteria: ACMG Guidelines, 2015. Collection method: clinical testing. Allele origin: germline.
Comment: The ELN c.1237G>A variant is predicted to result in the amino acid substitution p.Gly413Ser. To our knowledge, this variant has not been reported in the literature. This variant is reported in 0.0088% of alleles in individuals of European (Non-Finnish) descent in gnomAD. At this time, the clinical significance of this variant is uncertain due to the absence of conclusive functional and genetic evidence.

Labcorp Genetics (formerly Invitae), Labcorp
Classification: Uncertain significance for Supravalvar aortic stenosis. Last evaluated: 2024-03-24. Review status: criteria provided, single submitter. Criteria: Invitae Variant Classification Sherloc (09022015). Collection method: clinical testing. Allele origin: germline.
Comment: This sequence change replaces glycine, which is neutral and non-polar, with serine, which is neutral and polar, at codon 413 of the ELN protein (p.Gly413Ser). This variant is present in population databases (rs148792668, gnomAD 0.008%). This variant has not been reported in the literature in individuals affected with ELN-related conditions. ClinVar contains an entry for this variant (Variation ID: 2051348). Experimental studies and prediction algorithms are not available or were not evaluated, and the functional significance of this variant is currently unknown. In summary, the available evidence is currently insufficient to determine the role of this variant in disease. Therefore, it has been classified as a Variant of Uncertain Significance.

NM_000501.4(ELN):c.1237G>A (p.Gly413Ser)

Gene: ELN (elastin; plus strand). Cytogenetic location: 7q11.23.
Variant type: single nucleotide variant.
Coding change: c.1237G>A on transcript NM_000501.4 (MANE Select); coding-DNA position 1237, G replaced by A.
Protein change: p.Gly413Ser; replaces glycine 413 with serine.
Molecular consequence: missense variant.
Genome position (GRCh38, 1-based): chr7:74,056,357, G>A. VCF-style: chr7-74056357-G-A. GRCh37 (hg19) VCF-style: chr7-73470687-G-A.
Other names: c.1237G>A (NM_000501.3); c.1207G>A, p.Gly403Ser (NM_001081752.3, NM_001278917.2); c.1252G>A, p.Gly418Ser (NM_001081753.3, NM_001081754.3); c.1237G>A, p.Gly413Ser (NM_001081755.3, NM_001278912.2, NM_001278915.2 and 1 more transcripts); c.1129G>A, p.Ala377Thr (NM_001278913.2); c.1222G>A, p.Gly408Ser (NM_001278914.2); c.1195G>A, p.Gly399Ser (NM_001278916.2); c.1105G>A, p.Ala369Thr (NM_001278918.2); short protein forms G413S, G399S, G418S, A369T, A377T, G403S, G408S.
Identifiers: ClinVar variation 2051348 (VCV002051348.5), dbSNP rs148792668, ClinGen allele CA4292903.
Genomic context (GRCh38, chr7:74,056,357, plus strand): 5'-GGCATTCCTACTTACGGGGTTGGAGCTGGGGGCTTTCCCGGCTTTGGTGTCGGAGTCGGA[G>A]GTATCCCTGGAGTCGCAGGTGTCCCTGGTGTCGGAGGTGTTCCCGGAGTCGGAGGTGTCC-3'
Protein context (NP_000492.2, residues 403-423): GFPGFGVGVG[Gly413Ser]IPGVAGVPGV